The following is an entry in ClinVar:

NM_001386795.1(DTNA):c.1743+12_1743+30del

Gene: DTNA (dystrobrevin alpha; plus strand). Cytogenetic location: 18q12.1.
Variant type: Deletion.
Coding change: c.1743+12_1743+30del on transcript NM_001386795.1 (MANE Select); bases 12 to 30 of the intron after coding-DNA position 1743, 19 bases deleted (CAGATAAATTTTCCTGAGC).
Molecular consequence: intron variant.
Genome position (GRCh38, 1-based): chr18:34,864,074-34,864,092, CAGATAAATTTTCCTGAGC deleted; deleting any 19 consecutive bases within chr18:34,864,072-34,864,092 gives the same sequence; the c. name uses the placement nearest the transcript's 3' end. VCF-style (leftmost placement, unchanged base first): chr18-34864071-TGCCAGATAAATTTTCCTGA-T. GRCh37 (hg19) VCF-style: chr18-32444035-TGCCAGATAAATTTTCCTGA-T.
Other names: c.1491+12_1491+30del (NM_032975.4, NM_001386761.1, NM_032979.5); c.1488+12_1488+30del (NM_001386762.1); c.1572+12_1572+30del (NM_001386754.1, NM_001386755.1, NM_001386757.1 and 4 more transcripts); c.1569+12_1569+30del (NM_001386760.1); c.1482+12_1482+30del (NM_001386763.1, NM_001386764.1, NM_001386771.1 and 9 more transcripts); c.1479+12_1479+30del (NM_001386768.1, NM_001386773.1, NM_001386769.1 and 1 more transcripts); c.912+12_912+30del (NM_001198945.2); c.1743+12_1743+30del (NM_001386788.1); and 7 more.
Identifiers: ClinVar variation 3687960 (VCV003687960.2).

ClinVar aggregate classification (germline): Uncertain significance (1 of 4 stars; one submission).

Conditions:
Left ventricular noncompaction 1 (LVNC1). Also called: LEFT VENTRICULAR NONCOMPACTION 1 WITH OR WITHOUT CONGENITAL HEART DEFECTS. Identifiers: Orphanet 54260, MedGen C1858725, MONDO:0011403, OMIM 604169.

Submission:

Labcorp Genetics (formerly Invitae), Labcorp
Classification: Uncertain significance for Left ventricular noncompaction 1. Last evaluated: 2024-05-12. Review status: criteria provided, single submitter. Criteria: Invitae Variant Classification Sherloc (09022015). Collection method: clinical testing. Allele origin: germline.
Comment: This sequence change falls in intron 16 of the DTNA gene. It does not directly change the encoded amino acid sequence of the DTNA protein. This variant is present in population databases (rs757450869, gnomAD 0.003%). This variant has not been reported in the literature in individuals affected with DTNA-related conditions. Experimental studies and prediction algorithms are not available or were not evaluated, and the effect of this variant on mRNA splicing is currently unknown. In summary, the available evidence is currently insufficient to determine the role of this variant in disease. Therefore, it has been classified as a Variant of Uncertain Significance.